The following is an entry in ClinVar:

NM_003051.4(SLC16A1):c.1361C>T (p.Ala454Val)

Gene: SLC16A1 (solute carrier family 16 member 1; minus strand). Cytogenetic location: 1p13.2.
Variant type: single nucleotide variant.
Coding change: c.1361C>T on transcript NM_003051.4 (MANE Select); coding-DNA position 1361, C replaced by T.
Protein change: p.Ala454Val; replaces alanine 454 with valine.
Molecular consequence: missense variant.
Genome position (GRCh38, 1-based): chr1:112,914,033, G>A on the plus strand (C>T on the coding strand, the complement: SLC16A1 is on the minus strand). VCF-style: chr1-112914033-G-A. GRCh37 (hg19) VCF-style: chr1-113456655-G-A.
Other names: c.1361C>T, p.Ala454Val (NM_001166496.2); short protein forms A454V.
Identifiers: ClinVar variation 4692008 (VCV004692008.1).

ClinVar aggregate classification (germline): Uncertain significance (1 of 4 stars; one submission).

Submission:

Labcorp Genetics (formerly Invitae), Labcorp
Classification: Uncertain significance. Last evaluated: 2025-07-29. Review status: criteria provided, single submitter. Criteria: Invitae Variant Classification Sherloc (09022015). Collection method: clinical testing. Allele origin: germline.
Comment: This sequence change replaces alanine, which is neutral and non-polar, with valine, which is neutral and non-polar, at codon 454 of the SLC16A1 protein (p.Ala454Val). This variant is not present in population databases (gnomAD no frequency). This variant has not been reported in the literature in individuals affected with SLC16A1-related conditions. An algorithm developed to predict the effect of missense changes on protein structure and function (PolyPhen-2) suggests that this variant is likely to be tolerated. In summary, the available evidence is currently insufficient to determine the role of this variant in disease. Therefore, it has been classified as a Variant of Uncertain Significance.